The following is an entry in ClinVar:

NM_001256789.3(CACNA1F):c.5105C>T (p.Ala1702Val)

Gene: CACNA1F (calcium voltage-gated channel subunit alpha1 F; minus strand). Cytogenetic location: Xp11.23.
Variant type: single nucleotide variant.
Coding change: c.5105C>T on transcript NM_001256789.3 (MANE Select); coding-DNA position 5105, C replaced by T.
Protein change: p.Ala1702Val; replaces alanine 1702 with valine.
Molecular consequence: missense variant.
Genome position (GRCh38, 1-based): chrX:49,208,533, G>A on the plus strand (C>T on the coding strand, the complement: CACNA1F is on the minus strand). VCF-style: chrX-49208533-G-A. GRCh37 (hg19) VCF-style: chrX-49064993-G-A.
Other names: c.4943C>T, p.Ala1648Val (NM_001256790.3); c.5138C>T, p.Ala1713Val (NM_005183.4); short protein forms A1702V, A1648V, A1713V.
Identifiers: ClinVar variation 1968739 (VCV001968739.5), dbSNP rs1557105430, ClinGen allele CA412959003.

ClinVar aggregate classification (germline): Uncertain significance (1 of 4 stars; one submission).

Submission:

Labcorp Genetics (formerly Invitae), Labcorp
Classification: Uncertain significance. Last evaluated: 2022-09-28. Review status: criteria provided, single submitter. Criteria: Invitae Variant Classification Sherloc (09022015). Collection method: clinical testing. Allele origin: germline.
Comment: In summary, the available evidence is currently insufficient to determine the role of this variant in disease. Therefore, it has been classified as a Variant of Uncertain Significance. Algorithms developed to predict the effect of missense changes on protein structure and function (SIFT, PolyPhen-2, Align-GVGD) all suggest that this variant is likely to be tolerated. This variant has not been reported in the literature in individuals affected with CACNA1F-related conditions. This variant is not present in population databases (gnomAD no frequency). This sequence change replaces alanine, which is neutral and non-polar, with valine, which is neutral and non-polar, at codon 1713 of the CACNA1F protein (p.Ala1713Val).